The following is an entry in ClinVar:

NM_000051.4(ATM):c.2256A>G (p.Leu752=)

Gene: ATM (ATM serine/threonine kinase; plus strand). Cytogenetic location: 11q22.3.
Variant type: single nucleotide variant.
Coding change: c.2256A>G on transcript NM_000051.4 (MANE Select); coding-DNA position 2256, A replaced by G.
Protein change: p.Leu752=; no amino-acid change (leucine 752 retained).
Molecular consequence: synonymous variant.
Genome position (GRCh38, 1-based): chr11:108,257,486, A>G. VCF-style: chr11-108257486-A-G. GRCh37 (hg19) VCF-style: chr11-108128213-A-G.
Other names: c.2256A>G, p.Leu752= (NM_001351834.2).
Identifiers: ClinVar variation 3254025 (VCV003254025.2), dbSNP rs2135405700.

ClinVar aggregate classification (germline): Benign. Review status: criteria provided, single submitter (1 of 4 stars). 2 submissions from 2 submitters: Benign (1). 1 of the submissions does not count toward it. Last evaluated 2024-05-08.

Conditions:
Familial cancer of breast. Also called: BREAST CANCER, FAMILIAL; hereditary breast carcinoma; Hereditary breast cancer. Identifiers: Orphanet 227535, MedGen C0346153, MONDO:0016419, OMIM 114480. Disease mechanism: loss of function.
Ataxia-telangiectasia syndrome (AT). Also called: LOUIS-BAR SYNDROME; Cerebello-oculocutaneous telangiectasia; Immunodeficiency with ataxia telangiectasia; AT, COMPLEMENTATION GROUP C; Ataxia-telangiectasia, complementation group D; ATAXIA-TELANGIECTASIA, COMPLEMENTATION GROUP A. Identifiers: Orphanet 100, MedGen C0004135, MONDO:0008840, OMIM 208900.

Submissions (2):

Myriad Genetics, Inc.
Classification: Benign for Familial cancer of breast. Last evaluated: 2024-05-08. Review status: criteria provided, single submitter. Criteria: Myriad Autosomal Dominant, Autosomal Recessive and X-Linked Classification Criteria (2023). Collection method: clinical testing. Allele origin: unknown.
Comment: This variant is considered benign. This variant is a silent/synonymous amino acid change and it is not expected to impact splicing.

Natera, Inc.
Classification: Uncertain significance for Ataxia-telangiectasia. Last evaluated: 2025-02-12. Review status: no assertion criteria provided. Collection method: clinical testing. Allele origin: germline. Not counted in ClinVar's aggregate classification.